The following is an entry in ClinVar:

ClinVar aggregate classification (germline): Uncertain significance. Review status: criteria provided, multiple submitters, no conflicts (2 of 4 stars). 2 submissions from 2 submitters: Uncertain significance (2). Last evaluated 2024-02-27.

Conditions:
Hereditary cancer-predisposing syndrome. Also called: Hereditary neoplastic syndrome; Neoplastic Syndromes, Hereditary; Tumor predisposition; Hereditary Cancer Syndrome. Identifiers: Orphanet 140162, MedGen C0027672, MeSH D009386, MONDO:0015356.

Allele frequency attached by ClinVar (database versions not stated): gnomAD exomes below 0.00001.
gnomAD v4.1: 2 of 1,613,738 alleles (0.00012%); no homozygotes.

Submissions (2):

Ambry Genetics
Classification: Uncertain significance for Hereditary cancer-predisposing syndrome. Last evaluated: 2024-02-27. Review status: criteria provided, single submitter. Criteria: Ambry Variant Classification Scheme 2023. Collection method: clinical testing. Allele origin: germline.
Comment: The p.V78I variant (also known as c.232G>A), located in coding exon 3 of the XRCC2 gene, results from a G to A substitution at nucleotide position 232. The valine at codon 78 is replaced by isoleucine, an amino acid with highly similar properties. This amino acid position is conserved. In addition, this alteration is predicted to be tolerated by in silico analysis. Since supporting evidence is limited at this time, the clinical significance of this alteration remains unclear.

GeneDx
Classification: Uncertain significance. Last evaluated: 2015-12-21. Review status: criteria provided, single submitter. Criteria: GeneDx Variant Classification (06012015). Collection method: clinical testing. Allele origin: germline. Affected: yes.
Comment: This variant is denoted XRCC2 c.232G>A at the cDNA level, p.Val78Ile (V78I) at the protein level, and results in the change of a Valine to an Isoleucine (GTC>ATC). This variant has not, to our knowledge, been published in the literature as pathogenic or benign. XRCC2 Val78Ile was not observed in approximately 6,500 individuals of European and African American ancestry in the NHLBI Exome Sequencing Project, suggesting it is not a common benign variant in these populations. Since Valine and Isoleucine share similar properties, this is considered a conservative amino acid substitution. XRCC2 Val78Ile occurs at a position where amino acids with properties similar to Valine are tolerated across species and is located in the ATPase domain (Kim 2011). In silico analyses are inconsistent regarding the effect this variant may have on protein structure and function. Based on currently available evidence, it is unclear whether XRCC2 Val78Ile is a pathogenic or benign variant. We consider it to be a variant of uncertain significance.

NM_005431.2(XRCC2):c.232G>A (p.Val78Ile)

Gene: XRCC2 (X-ray repair cross complementing 2; minus strand). Cytogenetic location: 7q36.1.
Variant type: single nucleotide variant.
Coding change: c.232G>A on transcript NM_005431.2 (MANE Select); coding-DNA position 232, G replaced by A.
Protein change: p.Val78Ile; replaces valine 78 with isoleucine.
Molecular consequence: missense variant.
Genome position (GRCh38, 1-based): chr7:152,649,253, C>T on the plus strand (G>A on the coding strand, the complement: XRCC2 is on the minus strand). VCF-style: chr7-152649253-C-T. GRCh37 (hg19) VCF-style: chr7-152346338-C-T.
Other names: short protein forms V78I.
Identifiers: ClinVar variation 246232 (VCV000246232.4), dbSNP rs879254167, ClinGen allele CA10584280.